The following is an entry in ClinVar:

ClinVar aggregate classification (germline): Uncertain significance (1 of 4 stars; one submission).

gnomAD v4.1: 4 of 1,614,110 alleles (0.00025%); highest among the groups gnomAD compares: Admixed American, 0.0017%; no homozygotes.

Submission:

Ambry Genetics
Classification: Uncertain significance. Last evaluated: 2024-02-06. Review status: criteria provided, single submitter. Criteria: Ambry Variant Classification Scheme 2023. Collection method: clinical testing. Allele origin: germline.
Comment: The p.M49L variant (also known as c.145A>T), located in coding exon 1 of the BUB3 gene, results from an A to T substitution at nucleotide position 145. The methionine at codon 49 is replaced by leucine, an amino acid with highly similar properties. This amino acid position is conserved. In addition, this alteration is predicted to be tolerated by in silico analysis. Since supporting evidence is limited at this time, the clinical significance of this alteration remains unclear.

NM_004725.4(BUB3):c.145A>T (p.Met49Leu)

Gene: BUB3 (BUB3 mitotic checkpoint protein; plus strand). Cytogenetic location: 10q26.13.
Variant type: single nucleotide variant.
Coding change: c.145A>T on transcript NM_004725.4 (MANE Select); coding-DNA position 145, A replaced by T.
Protein change: p.Met49Leu; replaces methionine 49 with leucine.
Molecular consequence: missense variant.
Genome position (GRCh38, 1-based): chr10:123,155,062, A>T. VCF-style: chr10-123155062-A-T. GRCh37 (hg19) VCF-style: chr10-124914578-A-T.
Other names: c.145A>T, p.Met49Leu (NM_001007793.3); short protein forms M49L.
Identifiers: ClinVar variation 1773116 (VCV001773116.2), dbSNP rs758572057, ClinGen allele CA5731501.